The following is an entry in ClinVar:

NM_004924.6(ACTN4):c.739G>A (p.Val247Met)

Gene: ACTN4 (actinin alpha 4; plus strand). Cytogenetic location: 19q13.2.
Variant type: single nucleotide variant.
Coding change: c.739G>A on transcript NM_004924.6 (MANE Select); coding-DNA position 739, G replaced by A.
Protein change: p.Val247Met; replaces valine 247 with methionine.
Molecular consequence: missense variant. On other transcripts: intron variant (2).
Genome position (GRCh38, 1-based): chr19:38,710,262, G>A. VCF-style: chr19-38710262-G-A. GRCh37 (hg19) VCF-style: chr19-39200902-G-A.
Other names: c.733+786G>A (NM_001411143.1, NM_001322033.2); short protein forms V247M.
Identifiers: ClinVar variation 2649818 (VCV002649818.24), dbSNP rs745905696, ClinGen allele CA9417388.

ClinVar aggregate classification (germline): Uncertain significance (1 of 4 stars; one submission).

Allele frequency attached by ClinVar (database versions not stated): ExAC 0.00001; gnomAD exomes 0.00001.
gnomAD v4.1: 12 of 1,614,076 alleles (0.00074%); highest among the groups gnomAD compares: South Asian, 0.0055%; no homozygotes.

Submission:

CeGaT Center for Human Genetics Tuebingen
Classification: Uncertain significance. Last evaluated: 2022-04-01. Review status: criteria provided, single submitter. Criteria: CeGaT Center For Human Genetics Tuebingen Variant Classification Criteria Version 2. Collection method: clinical testing. Allele origin: germline. Affected: yes. Observed: 1 variant allele.
Comment: ACTN4: PP2, PP3